The following is an entry in ClinVar:

ClinVar aggregate classification (germline): Likely benign (1 of 4 stars; one submission).

Submission:

Laboratory for Molecular Medicine, Mass General Brigham Personalized Medicine
Classification: Likely benign. Last evaluated: 2012-06-01. Review status: criteria provided, single submitter. Criteria: LMM Criteria. Collection method: clinical testing. Allele origin: germline. Observed: 1 variant allele.
Comment: Val158Val in exon 5 of DSG2: This variant is not expected to have clinical signi ficance because it does not alter an amino acid residue and is not located withi n the splice consensus sequence. Val158Val in exon 5 of DSG2 (allele frequency = n/a)

NC_000018.10:g.31521194G>A

Gene: DSG2 (desmoglein 2; plus strand). Cytogenetic location: 18q12.1.
Variant type: single nucleotide variant.
Genome position: GRCh38 VCF-style: chr18-31521194-G-A. GRCh37 (hg19) VCF-style: chr18-29101157-G-A.
Other names: c.474G>A, p.Val158= (NM_001943.5).
Identifiers: ClinVar variation 44320 (VCV000044320.4), dbSNP rs397516708, ClinGen allele CA022129.